The following is an entry in ClinVar:

ClinVar aggregate classification (germline): Likely benign (1 of 4 stars; one submission).

Conditions:
NOTCH1-related disorder. Also called: NOTCH1-related condition; NOTCH1-related disorders.

gnomAD v4.1: 5 of 1,612,156 alleles (0.00031%); highest among the groups gnomAD compares: South Asian, 0.0011%; no homozygotes.

Submission:

PreventionGenetics, part of Exact Sciences
Classification: Likely benign for NOTCH1-related condition. Last evaluated: 2025-01-27. Review status: criteria provided, single submitter. Criteria: ACMG Guidelines, 2015. Collection method: clinical testing. Allele origin: germline.
Comment: This variant is classified as likely benign based on ACMG/AMP sequence variant interpretation guidelines (Richards et al. 2015 PMID: 25741868, with internal and published modifications).

NM_017617.5(NOTCH1):c.4243C>T (p.Leu1415=)

Gene: NOTCH1 (notch receptor 1; minus strand). Cytogenetic location: 9q34.3.
Variant type: single nucleotide variant.
Coding change: c.4243C>T on transcript NM_017617.5 (MANE Select); coding-DNA position 4243, C replaced by T.
Protein change: p.Leu1415=; no amino-acid change (leucine 1415 retained).
Molecular consequence: synonymous variant.
Genome position (GRCh38, 1-based): chr9:136,505,653, G>A on the plus strand (C>T on the coding strand, the complement: NOTCH1 is on the minus strand). VCF-style: chr9-136505653-G-A. GRCh37 (hg19) VCF-style: chr9-139400105-G-A.
Identifiers: ClinVar variation 4980915 (VCV004980915.1).